The following is an entry in ClinVar:

NM_007289.4(MME):c.855+6A>T

Gene: MME (membrane metalloendopeptidase; plus strand). Cytogenetic location: 3q25.2.
Variant type: single nucleotide variant.
Coding change: c.855+6A>T on transcript NM_007289.4 (MANE Select); 6 bases into the intron after coding-DNA position 855, A replaced by T.
Molecular consequence: intron variant.
Genome position (GRCh38, 1-based): chr3:155,138,242, A>T. VCF-style: chr3-155138242-A-T. GRCh37 (hg19) VCF-style: chr3-154856031-A-T.
Other names: p.?; c.855+6A>T (NM_007289.3, NM_001354642.2, NM_000902.5 and 3 more transcripts).
Identifiers: ClinVar variation 783315 (VCV000783315.46), dbSNP rs41267907, ClinGen allele CA2675289.

ClinVar aggregate classification (germline): Benign/Likely benign. Review status: criteria provided, multiple submitters, no conflicts (2 of 4 stars). 9 submissions from 9 submitters: Benign (1); Likely benign (5). 3 of the submissions do not count toward it. Last evaluated 2026-04-01.

Allele frequency attached by ClinVar (database versions not stated): 1000 Genomes Project 30x 0.00047; 1000 Genomes Project 0.00060; TOPMed 0.00194; ExAC 0.00198; gnomAD 0.00216 and 0.00217; gnomAD exomes 0.00216 and 0.00287; ESP Exome Variant Server 0.00292.
gnomAD v4.1: 4,527 of 1,613,234 alleles (0.28%); highest among the groups gnomAD compares: Middle Eastern, 0.96%; 11 homozygotes.

Submissions (9):

CeGaT Center for Human Genetics Tuebingen
Classification: Likely benign. Last evaluated: 2026-04-01. Review status: criteria provided, single submitter. Criteria: CeGaT Center For Human Genetics Tuebingen Variant Classification Criteria Version 2. Collection method: clinical testing. Allele origin: germline. Affected: yes. Observed: 6 variant alleles.
Comment: MME: BP4, BS1

Labcorp Genetics (formerly Invitae), Labcorp
Classification: Likely benign. Last evaluated: 2026-01-26. Review status: criteria provided, single submitter. Criteria: Invitae Variant Classification Sherloc (09022015). Collection method: clinical testing. Allele origin: germline.

Blueprint Genetics
Classification: Likely benign. Last evaluated: 2024-11-26. Review status: criteria provided, single submitter. Criteria: ACMG Guidelines, 2015. Collection method: clinical testing. Allele origin: germline.

Mayo Clinic Laboratories, Mayo Clinic
Classification: Benign. Last evaluated: 2023-09-26. Review status: criteria provided, single submitter. Criteria: ACMG Guidelines, 2015. Collection method: clinical testing. Allele origin: germline. Observed: 4 variant alleles.
Comment: BS1, BS2, BP4, BP7

GeneDx
Classification: Likely benign. Last evaluated: 2021-03-30. Review status: criteria provided, single submitter. Criteria: GeneDx Variant Classification Process June 2021. Collection method: clinical testing. Allele origin: germline. Affected: yes.

Breakthrough Genomics
Classification: Likely benign. Review status: criteria provided, single submitter. Criteria: ACMG Guidelines, 2015. Collection method: not provided. Allele origin: germline. Inheritance: Autosomal recessive inheritance. Affected: yes.

Clinical Genetics DNA and cytogenetics Diagnostics Lab, Erasmus MC, Erasmus Medical Center
Classification: Likely benign. Review status: no assertion criteria provided. Collection method: clinical testing. Allele origin: germline. Affected: yes. Study: VKGL Data-share Consensus. Not counted in ClinVar's aggregate classification.

Clinical Genetics, Academic Medical Center
Classification: Likely benign. Review status: no assertion criteria provided. Collection method: clinical testing. Allele origin: germline. Affected: yes. Study: VKGL Data-share Consensus. Not counted in ClinVar's aggregate classification.

Genome Diagnostics Laboratory, University Medical Center Utrecht
Classification: Likely benign. Review status: no assertion criteria provided. Collection method: clinical testing. Allele origin: germline. Affected: yes. Study: VKGL Data-share Consensus. Not counted in ClinVar's aggregate classification.